The following is an entry in ClinVar:

NM_177438.3(DICER1):c.2165A>T (p.Tyr722Phe)

Gene: DICER1 (dicer 1, ribonuclease III; minus strand). Cytogenetic location: 14q32.13.
Variant type: single nucleotide variant.
Coding change: c.2165A>T on transcript NM_177438.3 (MANE Select); coding-DNA position 2165, A replaced by T.
Protein change: p.Tyr722Phe; replaces tyrosine 722 with phenylalanine.
Molecular consequence: missense variant. On other transcripts: non-coding transcript variant (6).
Genome position (GRCh38, 1-based): chr14:95,111,408, T>A on the plus strand (A>T on the coding strand, the complement: DICER1 is on the minus strand). VCF-style: chr14-95111408-T-A. GRCh37 (hg19) VCF-style: chr14-95577745-T-A.
Other names: c.2165A>T, p.Tyr722Phe (NM_001195573.1, NM_001271282.3, NM_001291628.2 and 12 more transcripts); c.1883A>T, p.Tyr628Phe (NM_001395686.1); c.1760A>T, p.Tyr587Phe (NM_001395687.1, NM_001395688.1, NM_001395689.1 and 3 more transcripts); c.1598A>T, p.Tyr533Phe (NM_001395691.1); c.482A>T, p.Tyr161Phe (NM_001395697.1); short protein forms Y587F, Y722F, Y628F, Y161F, Y533F.
Identifiers: ClinVar variation 3693348 (VCV003693348.2).
Genomic context (GRCh38, chr14:95,111,408, plus strand): 5'-GAACCTGGTCTTCCTGGAACACTGGTCTCTTCTTCATCATGCAAATCAAGCTCCTCTTCA[T>A]ATTTAACAGTCTCTTTCCCAACTGGCATCAAATGGTCATCCAGTTCGCCTAACAAATTTA-3'
Protein context (NP_803187.1, residues 712-732): LMPVGKETVK[Tyr722Phe]EEELDLHDEE

ClinVar aggregate classification (germline): Uncertain significance (1 of 4 stars; one submission).

Conditions:
DICER1-related tumor predisposition. Also called: DICER1-related pleuropulmonary blastoma cancer predisposition syndrome; DICER1 syndrome. Identifiers: Orphanet 284343, MedGen C3839822, MONDO:0100216.

Submission:

Labcorp Genetics (formerly Invitae), Labcorp
Classification: Uncertain significance for DICER1-related tumor predisposition. Last evaluated: 2024-08-12. Review status: criteria provided, single submitter. Criteria: Invitae Variant Classification Sherloc (09022015). Collection method: clinical testing. Allele origin: germline.
Comment: This sequence change replaces tyrosine, which is neutral and polar, with phenylalanine, which is neutral and non-polar, at codon 722 of the DICER1 protein (p.Tyr722Phe). This variant is not present in population databases (gnomAD no frequency). This variant has not been reported in the literature in individuals affected with DICER1-related conditions. Advanced modeling of protein sequence and biophysical properties (such as structural, functional, and spatial information, amino acid conservation, physicochemical variation, residue mobility, and thermodynamic stability) performed at Invitae indicates that this missense variant is not expected to disrupt DICER1 protein function with a negative predictive value of 80%. In summary, the available evidence is currently insufficient to determine the role of this variant in disease. Therefore, it has been classified as a Variant of Uncertain Significance.